The following is an entry in ClinVar:

ClinVar aggregate classification (germline): Pathogenic/Likely pathogenic. Review status: criteria provided, multiple submitters, no conflicts (2 of 4 stars). 2 submissions from 2 submitters: Pathogenic (1); Likely pathogenic (1). Last evaluated 2025-05-06.

Conditions:
PLA2G6-associated neurodegeneration (PLAN). Also called: phospholipase A2-associated neurodegeneration. Identifiers: Orphanet 329303, MedGen CN204472, MONDO:0017998.
Infantile neuroaxonal dystrophy (NBIA2A). Also called: NEURODEGENERATION WITH BRAIN IRON ACCUMULATION 2A; Infantile neuroaxonal dystrophy 1; SEITELBERGER DISEASE. Identifiers: Orphanet 35069, MedGen C0270724, MONDO:0024457, OMIM 256600.

Allele frequency attached by ClinVar (database versions not stated): gnomAD 0.00003.
gnomAD v4.1: 2 of 1,614,020 alleles (0.00012%); highest among the groups gnomAD compares: Non-Finnish European, 0.000085%; no homozygotes.

Submissions (2):

Broad Center for Mendelian Genomics, Broad Institute of MIT and Harvard
Classification: Likely pathogenic for PLA2G6-associated neurodegeneration. Last evaluated: 2025-05-06. Review status: criteria provided, single submitter. Criteria: ACMG Guidelines, 2015. Collection method: curation. Allele origin: germline. Inheritance: Autosomal recessive inheritance.
Comment: The c.1187-1G>A variant in PLA2G6 has not been previously reported in the literature in individuals with PLA2G6-associated neurodegeneration, but has been identified in 0.00008% (1/1179968) of European (non-Finnish) chromosomes by the Genome Aggregation Database (gnomAD; dbSNP ID: rs1477656610). Although this variant has been seen in the general population in a heterozygous state, its frequency is low enough to be consistent with a recessive carrier frequency. This variant has also been reported in ClinVar (Variation ID#: 813443) and has been interpreted as pathogenic by Baylor Genetics. This variant is located in the 5' splice region. Computational tools predict a splicing impact, though this information is not predictive enough to determine pathogenicity. Loss of function of the PLA2G6 gene is an established disease mechanism in autosomal recessive PLA2G6-associated neurodegeneration. In summary, although additional studies are required to fully establish its clinical significance, this variant is likely pathogenic for autosomal recessive PLA2G6-associated neurodegeneration. ACMG/AMP Criteria applied: PVS1, PM2_supporting (Richards 2015).

Baylor Genetics
Classification: Pathogenic for Infantile neuroaxonal dystrophy. Review status: criteria provided, single submitter. Criteria: ACMG Guidelines, 2015. Collection method: clinical testing. Allele origin: germline.

NM_003560.4(PLA2G6):c.1187-1G>A

Gene: PLA2G6 (phospholipase A2 group VI; minus strand). Cytogenetic location: 22q13.1.
Variant type: single nucleotide variant.
Coding change: c.1187-1G>A on transcript NM_003560.4 (MANE Select); the canonical splice acceptor site of the intron before coding-DNA position 1187, G replaced by A.
Molecular consequence: splice acceptor variant. On other transcripts: intron variant (5).
Genome position (GRCh38, 1-based): chr22:38,128,431, C>T on the plus strand (G>A on the coding strand, the complement: PLA2G6 is on the minus strand). VCF-style: chr22-38128431-C-T. GRCh37 (hg19) VCF-style: chr22-38524438-C-T.
Other names: c.509-1G>A (NM_001349868.2); c.1186+1023G>A (NM_001349866.2, NM_001199562.3, NM_001349865.2 and 1 more transcripts); c.652+1023G>A (NM_001349869.2); c.653-1G>A (NM_001349867.2); c.1187-1G>A (NM_001349864.2).
Identifiers: ClinVar variation 813443 (VCV000813443.4), dbSNP rs1477656610, ClinGen allele CA411530347.
Genomic context (GRCh38, chr22:38,128,431, plus strand): 5'-GGAAGCAGTATTCGGCCCCCACGGTTCTCAGCAGAGTCAAGATCGCCTTCCTGGTGACAA[C>T]TTGTCATGGTTTGGGGAAGGGGAGATGGCACAGGATCAGAAATGATGTCAACATGCAAAG-3'